The following is an entry in ClinVar:

ClinVar aggregate classification (germline): Likely benign (1 of 4 stars; one submission).

gnomAD v4.1: 2 of 1,614,206 alleles (0.00012%); highest among the groups gnomAD compares: African/African-American, 0.0027%; no homozygotes.

Submission:

Women's Health and Genetics/Laboratory Corporation of America, LabCorp
Classification: Likely benign. Last evaluated: 2025-12-23. Review status: criteria provided, single submitter. Criteria: LabCorp Variant Classification Summary - May 2015. Collection method: clinical testing. Allele origin: germline.
Comment: Variant summary: CHD4 c.564C>T alters a conserved nucleotide resulting in a synonymous change. Consensus agreement among computation tools predict no significant impact on normal splicing. However, these predictions have yet to be confirmed by functional studies. The variant allele was found at a frequency of 4e-06 in 251100 control chromosomes. The available data on variant occurrences in the general population are insufficient to allow any conclusion about variant significance. To our knowledge, no occurrence of c.564C>T in individuals affected with CHD4-related conditions and no experimental evidence demonstrating its impact on protein function have been reported. No submitters have cited clinical-significance assessments for this variant to ClinVar. Based on the evidence outlined above, the variant was classified as likely benign.

NM_001273.5(CHD4):c.564C>T (p.Leu188=)

Gene: CHD4 (chromodomain helicase DNA binding protein 4; minus strand). Cytogenetic location: 12p13.31.
Variant type: single nucleotide variant.
Coding change: c.564C>T on transcript NM_001273.5 (MANE Select); coding-DNA position 564, C replaced by T.
Protein change: p.Leu188=; no amino-acid change (leucine 188 retained).
Molecular consequence: synonymous variant.
Genome position (GRCh38, 1-based): chr12:6,601,524, G>A on the plus strand (C>T on the coding strand, the complement: CHD4 is on the minus strand). VCF-style: chr12-6601524-G-A. GRCh37 (hg19) VCF-style: chr12-6710690-G-A.
Other names: c.543C>T, p.Leu181= (NM_001297553.2); c.564C>T, p.Leu188= (NM_001363606.2).
Identifiers: ClinVar variation 4688885 (VCV004688885.1).
Genomic context (GRCh38, chr12:6,601,524, plus strand): 5'-TTTTGCACCCAAAACCATCATCATCTTGGAGACAGCAATCTTGGGATTTTTGGCAGCAAT[G>A]AGGGGTCTGGTGGAGAAATGCACAAGAGCAGAGGGAAAGGTTTAAGAATAAAAAAAGAAA-3'
Protein context (NP_001264.2, residues 178-198): YKAFSQFVRP[Leu188=]IAAKNPKIAV